The following is an entry in ClinVar:

NM_013391.3(DMGDH):c.277-7T>G

Gene: DMGDH (dimethylglycine dehydrogenase; minus strand). Cytogenetic location: 5q14.1.
Variant type: single nucleotide variant.
Coding change: c.277-7T>G on transcript NM_013391.3 (MANE Select); 7 bases into the intron before coding-DNA position 277, T replaced by G.
Molecular consequence: intron variant.
Genome position (GRCh38, 1-based): chr5:79,055,915, A>C on the plus strand (T>G on the coding strand, the complement: DMGDH is on the minus strand). VCF-style: chr5-79055915-A-C. GRCh37 (hg19) VCF-style: chr5-78351738-A-C.
Other names: NC_000005.9:g.78351738A>C.
Identifiers: ClinVar variation 517017 (VCV000517017.6), dbSNP rs146240837, ClinGen allele CA3319020.

ClinVar aggregate classification (germline): Benign. Review status: criteria provided, multiple submitters, no conflicts (2 of 4 stars). 2 submissions from 2 submitters: Benign (2). Last evaluated 2019-12-31.

Allele frequency attached by ClinVar (database versions not stated): gnomAD exomes 0.00044 and 0.00103; ExAC 0.00146; 1000 Genomes Project 30x 0.00297; 1000 Genomes Project 0.00300; gnomAD 0.00408 and 0.00450; TOPMed 0.00424; ESP Exome Variant Server 0.00439.
gnomAD v4.1: 1,300 of 1,554,428 alleles (0.084%); highest among the groups gnomAD compares: African/African-American, 1.5%; 12 homozygotes.

Submissions (3):

Labcorp Genetics (formerly Invitae), Labcorp
Classification: Benign. Last evaluated: 2019-12-31. Review status: criteria provided, single submitter. Criteria: Invitae Variant Classification Sherloc (09022015). Collection method: clinical testing. Allele origin: germline.

GeneDx
Classification: Benign. Last evaluated: 2017-12-26. Review status: criteria provided, single submitter. Criteria: GeneDx Variant Classification (06012015). Collection method: clinical testing. Allele origin: germline. Affected: yes.
Comment: This variant is considered likely benign or benign based on one or more of the following criteria: it is a conservative change, it occurs at a poorly conserved position in the protein, it is predicted to be benign by multiple in silico algorithms, and/or has population frequency not consistent with disease.

Dr. Peter K. Rogan Lab, Western University
No classification provided (evidence only). Condition: Cervical cancer. Review status: no classification provided. Collection method: in vitro. Allele origin: not applicable. Functional consequence: retained intron. Not counted in ClinVar's aggregate classification.